The following is an entry in ClinVar:

ClinVar aggregate classification (germline): Uncertain significance (1 of 4 stars; one submission).

Conditions:
Ataxia-telangiectasia syndrome (AT). Also called: Ataxia-telangiectasia; LOUIS-BAR SYNDROME; Ataxia-telangiectasia, complementation group D; AT, COMPLEMENTATION GROUP C; ATAXIA-TELANGIECTASIA, COMPLEMENTATION GROUP A; ATAXIA-TELANGIECTASIA, FRESNO VARIANT. Identifiers: Orphanet 100, MedGen C0004135, MONDO:0008840, OMIM 208900.

Submission:

Labcorp Genetics (formerly Invitae), Labcorp
Classification: Uncertain significance for Ataxia-telangiectasia syndrome. Last evaluated: 2022-10-04. Review status: criteria provided, single submitter. Criteria: Invitae Variant Classification Sherloc (09022015). Collection method: clinical testing. Allele origin: germline.
Comment: In summary, the available evidence is currently insufficient to determine the role of this variant in disease. Therefore, it has been classified as a Variant of Uncertain Significance. Algorithms developed to predict the effect of missense changes on protein structure and function are either unavailable or do not agree on the potential impact of this missense change (SIFT: "Tolerated"; PolyPhen-2: "Probably Damaging"; Align-GVGD: "Class C0"). ClinVar contains an entry for this variant (Variation ID: 1355217). This variant has not been reported in the literature in individuals affected with ATM-related conditions. This variant is not present in population databases (gnomAD no frequency). This sequence change replaces glutamine, which is neutral and polar, with histidine, which is basic and polar, at codon 2442 of the ATM protein (p.Gln2442His).

NM_000051.4(ATM):c.7326G>C (p.Gln2442His)

Genes: ATM (ATM serine/threonine kinase; plus strand), C11orf65 (chromosome 11 open reading frame 65; minus strand). Cytogenetic location: 11q22.3.
Variant type: single nucleotide variant.
Coding change: c.7326G>C on transcript NM_000051.4 (MANE Select); coding-DNA position 7326, G replaced by C.
Protein change: p.Gln2442His; replaces glutamine 2442 with histidine.
Molecular consequence: missense variant. On other transcripts: intron variant (2).
Genome position (GRCh38, 1-based): chr11:108,330,232, G>C. VCF-style: chr11-108330232-G-C. GRCh37 (hg19) VCF-style: chr11-108200959-G-C.
Other names: c.7326G>C, p.Gln2442His (NM_001351834.2); c.641-21161C>G (NM_001330368.2); c.*38+4988C>G (NM_001351110.2); short protein forms Q2442H.
Identifiers: ClinVar variation 1355217 (VCV001355217.8), dbSNP rs1555122970, ClinGen allele CA382559894.